The following is an entry in ClinVar:

ClinVar aggregate classification (germline): Likely benign. Review status: criteria provided, multiple submitters, no conflicts (2 of 4 stars). 4 submissions from 4 submitters: Likely benign (3). 1 of the submissions does not count toward it. Last evaluated 2024-07-04.

Conditions:
ZNF81-related disorder. Also called: ZNF81-related condition.
History of neurodevelopmental disorder. Identifiers: MedGen C2711754.

Allele frequency attached by ClinVar (database versions not stated): gnomAD exomes 0.00065 and 0.00189; ExAC 0.00246; gnomAD 0.00632 and 0.00663; ESP Exome Variant Server 0.00738; TOPMed 0.00739; 1000 Genomes Project 0.00874; 1000 Genomes Project 30x 0.00916.

Submissions (4):

Blueprint Genetics
Classification: Likely benign. Last evaluated: 2024-07-04. Review status: criteria provided, single submitter. Criteria: ACMG Guidelines, 2015. Collection method: clinical testing. Allele origin: germline.

Ambry Genetics
Classification: Likely benign for History of neurodevelopmental disorder. Last evaluated: 2013-03-15. Review status: criteria provided, single submitter. Criteria: Ambry Autosomal Dominant and X-Linked criteria (10/2015). Collection method: clinical testing. Allele origin: germline. Observed: 1 variant allele.

Breakthrough Genomics
Classification: Likely benign. Review status: criteria provided, single submitter. Criteria: ACMG Guidelines, 2015. Collection method: not provided. Allele origin: germline. Inheritance: Unknown mechanism. Affected: yes.

PreventionGenetics, part of Exact Sciences
Classification: Benign for ZNF81-related condition. Last evaluated: 2019-03-25. Review status: no assertion criteria provided. Collection method: clinical testing. Allele origin: germline. Not counted in ClinVar's aggregate classification.
Comment: This variant is classified as benign based on ACMG/AMP sequence variant interpretation guidelines (Richards et al. 2015 PMID: 25741868, with internal and published modifications).

NM_007137.5(ZNF81):c.129A>G (p.Arg43=)

Gene: ZNF81 (zinc finger protein 81; plus strand). Cytogenetic location: Xp11.23.
Variant type: single nucleotide variant.
Coding change: c.129A>G on transcript NM_007137.5 (MANE Select); coding-DNA position 129, A replaced by G.
Protein change: p.Arg43=; no amino-acid change (arginine 43 retained).
Molecular consequence: synonymous variant. On other transcripts: non-coding transcript variant (1).
Genome position (GRCh38, 1-based): chrX:47,888,073, A>G. VCF-style: chrX-47888073-A-G. GRCh37 (hg19) VCF-style: chrX-47747472-A-G.
Other names: c.129A>G, p.Arg43= (NM_001378152.1, NM_001378153.1, NM_001378154.1 and 1 more transcripts).
Identifiers: ClinVar variation 590232 (VCV000590232.7), dbSNP rs148626389, ClinGen allele CA10399822.
Genomic context (GRCh38, chrX:47,888,073, plus strand): 5'-TGAGGATGTGACTGTGGACTTCAGTAGAGAGGAGTGGCAGCAACTGGACTCTACTCAAAG[A>G]CGCCTGTACCAGGATGTAATGTTGGAGAACTACAGCCACCTGCTCTCAGTGGGTAAGGAC-3'
Protein context (NP_009068.2, residues 33-53): EEWQQLDSTQ[Arg43=]RLYQDVMLEN